The following is an entry in ClinVar:

ClinVar aggregate classification (germline): Uncertain significance (1 of 4 stars; one submission).

Conditions:
Hypertrophic cardiomyopathy. Also called: HYPERTROPHIC MYOCARDIOPATHY. Identifiers: Orphanet 217569, MedGen C0007194, MeSH D002312, MONDO:0005045, HP:0001639.

Submission:

Labcorp Genetics (formerly Invitae), Labcorp
Classification: Uncertain significance for Hypertrophic cardiomyopathy. Last evaluated: 2024-06-19. Review status: criteria provided, single submitter. Criteria: Invitae Variant Classification Sherloc (09022015). Collection method: clinical testing. Allele origin: germline.
Comment: This sequence change falls in intron 18 of the MYH7 gene. It does not directly change the encoded amino acid sequence of the MYH7 protein. It affects a nucleotide within the consensus splice site. This variant is not present in population databases (gnomAD no frequency). This variant has not been reported in the literature in individuals affected with MYH7-related conditions. Variants that disrupt the consensus splice site are a relatively common cause of aberrant splicing (PMID: 17576681, 9536098). Algorithms developed to predict the effect of sequence changes on RNA splicing suggest that this variant may disrupt the consensus splice site. In summary, the available evidence is currently insufficient to determine the role of this variant in disease. Therefore, it has been classified as a Variant of Uncertain Significance.

Literature cited by the submitters: PubMed 17576681; PubMed 9536098.

NM_000257.4(MYH7):c.2045-3C>G

Gene: MYH7 (myosin heavy chain 7; minus strand). Cytogenetic location: 14q11.2.
Variant type: single nucleotide variant.
Coding change: c.2045-3C>G on transcript NM_000257.4 (MANE Select); 3 bases into the intron before coding-DNA position 2045, C replaced by G.
Molecular consequence: intron variant.
Genome position (GRCh38, 1-based): chr14:23,426,084, G>C on the plus strand (C>G on the coding strand, the complement: MYH7 is on the minus strand). VCF-style: chr14-23426084-G-C. GRCh37 (hg19) VCF-style: chr14-23895293-G-C.
Other names: c.2045-3C>G (NM_001407004.1).
Identifiers: ClinVar variation 3021027 (VCV003021027.3), dbSNP rs2502289936, ClinGen allele CA2740097719.